The following is an entry in ClinVar:

ClinVar aggregate classification (germline): Uncertain significance (1 of 4 stars; one submission).

Submission:

Labcorp Genetics (formerly Invitae), Labcorp
Classification: Uncertain significance. Last evaluated: 2023-01-30. Review status: criteria provided, single submitter. Criteria: Invitae Variant Classification Sherloc (09022015). Collection method: clinical testing. Allele origin: germline.
Comment: This sequence change replaces valine, which is neutral and non-polar, with leucine, which is neutral and non-polar, at codon 779 of the FBN3 protein (p.Val779Leu). This variant is not present in population databases (gnomAD no frequency). This variant has not been reported in the literature in individuals affected with FBN3-related conditions. Advanced modeling of protein sequence and biophysical properties (such as structural, functional, and spatial information, amino acid conservation, physicochemical variation, residue mobility, and thermodynamic stability) performed at Invitae indicates that this missense variant is not expected to disrupt FBN3 protein function. In summary, the available evidence is currently insufficient to determine the role of this variant in disease. Therefore, it has been classified as a Variant of Uncertain Significance.

NM_032447.5(FBN3):c.2335G>C (p.Val779Leu)

Gene: FBN3 (fibrillin 3; minus strand). Cytogenetic location: 19p13.2.
Variant type: single nucleotide variant.
Coding change: c.2335G>C on transcript NM_032447.5 (MANE Select); coding-DNA position 2335, G replaced by C.
Protein change: p.Val779Leu; replaces valine 779 with leucine.
Molecular consequence: missense variant.
Genome position (GRCh38, 1-based): chr19:8,126,794, C>G on the plus strand (G>C on the coding strand, the complement: FBN3 is on the minus strand). VCF-style: chr19-8126794-C-G. GRCh37 (hg19) VCF-style: chr19-8191678-C-G.
Other names: c.2335G>C, p.Val779Leu (NM_001321431.2); short protein forms V779L.
Identifiers: ClinVar variation 2962831 (VCV002962831.3), dbSNP rs371816658, ClinGen allele CA403699060.